The following is an entry in ClinVar:

ClinVar aggregate classification (germline): Uncertain significance (1 of 4 stars; one submission).

Allele frequency attached by ClinVar (database versions not stated): ExAC 0.00001; gnomAD 0.00001; TOPMed 0.00001.
gnomAD v4.1: 5 of 1,613,890 alleles (0.00031%); highest among the groups gnomAD compares: Non-Finnish European, 0.00042%; no homozygotes.

Submission:

Labcorp Genetics (formerly Invitae), Labcorp
Classification: Uncertain significance. Last evaluated: 2023-09-05. Review status: criteria provided, single submitter. Criteria: Invitae Variant Classification Sherloc (09022015). Collection method: clinical testing. Allele origin: germline.
Comment: This sequence change replaces threonine, which is neutral and polar, with alanine, which is neutral and non-polar, at codon 136 of the DPYS protein (p.Thr136Ala). This variant is present in population databases (rs772604479, gnomAD 0.0009%). This variant has not been reported in the literature in individuals affected with DPYS-related conditions. In summary, the available evidence is currently insufficient to determine the role of this variant in disease. Therefore, it has been classified as a Variant of Uncertain Significance. Advanced modeling of protein sequence and biophysical properties (such as structural, functional, and spatial information, amino acid conservation, physicochemical variation, residue mobility, and thermodynamic stability) performed at Invitae indicates that this missense variant is not expected to disrupt DPYS protein function.

NM_001385.3(DPYS):c.406A>G (p.Thr136Ala)

Gene: DPYS (dihydropyrimidinase; minus strand). Cytogenetic location: 8q22.3.
Variant type: single nucleotide variant.
Coding change: c.406A>G on transcript NM_001385.3 (MANE Select); coding-DNA position 406, A replaced by G.
Protein change: p.Thr136Ala; replaces threonine 136 with alanine.
Molecular consequence: missense variant.
Genome position (GRCh38, 1-based): chr8:104,451,263, T>C on the plus strand (A>G on the coding strand, the complement: DPYS is on the minus strand). VCF-style: chr8-104451263-T-C. GRCh37 (hg19) VCF-style: chr8-105463491-T-C.
Other names: short protein forms T136A.
Identifiers: ClinVar variation 2982446 (VCV002982446.3), dbSNP rs772604479, ClinGen allele CA4838585.